The following is an entry in ClinVar:

ClinVar aggregate classification (germline): Uncertain significance (1 of 4 stars; one submission).

Conditions:
Marfan syndrome (MFS). Also called: MARFAN SYNDROME, TYPE I; Marfan syndrome type 1; Marfan's syndrome; Marfan syndrome, classic; FBN1-Related Marfan Syndrome. Identifiers: Orphanet 284963, Orphanet 558, MedGen C0024796, MONDO:0007947, OMIM 154700.

Submission:

All of Us Research Program, National Institutes of Health
Classification: Uncertain significance for Marfan syndrome. Last evaluated: 2023-12-13. Review status: criteria provided, single submitter. Criteria: ACMG Guidelines, 2015. Collection method: clinical testing. Allele origin: germline. Inheritance: Autosomal dominant inheritance. Observed: 1 variant allele, 1 heterozygote.
Comment: This variant causes an A to G nucleotide substitution at the -4 position of intron 37 of the FBN1 gene. To our knowledge, functional studies have not been reported for this variant. This variant has not been reported in individuals affected with FBN1-related disorders in the literature. This variant has not been identified in the general population by the Genome Aggregation Database (gnomAD). The available evidence is insufficient to determine the role of this variant in disease conclusively. Therefore, this variant is classified as a Variant of Uncertain Significance.

This study involves interpretation of variants in research participants for the purpose of population health screening. Participant phenotype was not available at the time of variant classification. Additional details can be found in publication PMID: 35346344, PMCID: PMC8962531

NM_000138.5(FBN1):c.4583-4A>G

Gene: FBN1 (fibrillin 1; minus strand). Cytogenetic location: 15q21.1.
Variant type: single nucleotide variant.
Coding change: c.4583-4A>G on transcript NM_000138.5 (MANE Select); 4 bases into the intron before coding-DNA position 4583, A replaced by G.
Molecular consequence: intron variant.
Genome position (GRCh38, 1-based): chr15:48,468,106, T>C on the plus strand (A>G on the coding strand, the complement: FBN1 is on the minus strand). VCF-style: chr15-48468106-T-C. GRCh37 (hg19) VCF-style: chr15-48760303-T-C.
Other names: c.4583-4A>G (NM_001406716.1).
Identifiers: ClinVar variation 3075018 (VCV003075018.1), dbSNP rs2505502126, ClinGen allele CA2825002268.
Genomic context (GRCh38, chr15:48,468,106, plus strand): 5'-TATCTCCATTGTCTCCTCGAGGTCGAATATCCAAATAGCAATTTCCAGAGCGGGTATCTA[T>C]TTACCATATACAAACACAAAAGCATCAGGCAGAATCTTTCTACTGGGGTTGAAAATTCAA-3'